The following is an entry in ClinVar:

ClinVar aggregate classification (germline): Conflicting classifications of pathogenicity. Review status: criteria provided, conflicting classifications (1 of 4 stars). 7 submissions from 7 submitters: Uncertain significance (6); Likely benign (1). Last evaluated 2025-06-28.

Conditions:
Loeys-Dietz syndrome (LDS). Identifiers: Orphanet 60030, MedGen C2697932, MONDO:0018954.
Familial thoracic aortic aneurysm and aortic dissection (TAAD). Also called: Thoracic aortic aneurysms and dissections. Identifiers: Orphanet 91387, MedGen C4707243, MONDO:0019625.
Loeys-Dietz syndrome 1 (LDS1). Also called: TGFBR1-Related Loeys-Dietz Syndrome; FURLONG SYNDROME; AORTIC ANEURYSM, FAMILIAL THORACIC 5. Identifiers: Orphanet 60030, MedGen C4551955, MONDO:0012212, OMIM 609192.

Allele frequency attached by ClinVar (database versions not stated): gnomAD exomes 0.00002.
gnomAD v4.1: 25 of 1,613,982 alleles (0.0015%); highest among the groups gnomAD compares: Non-Finnish European, 0.002%; no homozygotes.

Submissions (7):

Ambry Genetics
Classification: Uncertain significance for Familial thoracic aortic aneurysm and aortic dissection. Last evaluated: 2025-06-28. Review status: criteria provided, single submitter. Criteria: Ambry Variant Classification Scheme 2023. Collection method: clinical testing. Allele origin: germline.
Comment: The p.K64R variant (also known as c.191A>G), located in coding exon 2 of the TGFBR1 gene, results from an A to G substitution at nucleotide position 191. The lysine at codon 64 is replaced by arginine, an amino acid with highly similar properties. This amino acid position is conserved. In addition, this alteration is predicted to be tolerated by in silico analysis. Since supporting evidence is limited at this time, the clinical significance of this alteration remains unclear.

Labcorp Genetics (formerly Invitae), Labcorp
Classification: Uncertain significance for Familial thoracic aortic aneurysm and aortic dissection. Last evaluated: 2024-09-29. Review status: criteria provided, single submitter. Criteria: Invitae Variant Classification Sherloc (09022015). Collection method: clinical testing. Allele origin: germline.
Comment: This sequence change replaces lysine, which is basic and polar, with arginine, which is basic and polar, at codon 64 of the TGFBR1 protein (p.Lys64Arg). This variant is not present in population databases (gnomAD no frequency). This variant has not been reported in the literature in individuals affected with TGFBR1-related conditions. ClinVar contains an entry for this variant (Variation ID: 282059). Invitae Evidence Modeling of protein sequence and biophysical properties (such as structural, functional, and spatial information, amino acid conservation, physicochemical variation, residue mobility, and thermodynamic stability) indicates that this missense variant is not expected to disrupt TGFBR1 protein function with a negative predictive value of 95%. In summary, the available evidence is currently insufficient to determine the role of this variant in disease. Therefore, it has been classified as a Variant of Uncertain Significance.

All of Us Research Program, National Institutes of Health
Classification: Uncertain significance for Loeys-Dietz syndrome. Last evaluated: 2023-12-18. Review status: criteria provided, single submitter. Criteria: ACMG Guidelines, 2015. Collection method: clinical testing. Allele origin: germline. Inheritance: Autosomal dominant inheritance. Observed: 1 variant allele, 1 heterozygote.
Comment: This missense variant replaces lysine with arginine at codon 64 of the TGFBR1 protein. Computational prediction suggests that this variant may have a neutral impact on protein structure and function. To our knowledge, functional studies have not been reported for this variant. This variant has not been reported in individuals affected with TGFBR1-related disorders in the literature. This variant has not been identified in the general population by the Genome Aggregation Database (gnomAD). The available evidence is insufficient to determine the role of this variant in disease conclusively. Therefore, this variant is classified as a Variant of Uncertain Significance.

This study involves interpretation of variants in research participants for the purpose of population health screening. Participant phenotype was not available at the time of variant classification. Additional details can be found in publication PMID: 35346344, PMCID: PMC8962531

Color Diagnostics, LLC DBA Color Health
Classification: Uncertain significance for Familial thoracic aortic aneurysm and aortic dissection. Last evaluated: 2023-11-22. Review status: criteria provided, single submitter. Criteria: ACMG Guidelines, 2015. Collection method: clinical testing. Allele origin: germline.
Comment: This missense variant replaces lysine with arginine at codon 64 of the TGFBR1 protein. Computational prediction suggests that this variant may have a neutral impact on protein structure and function. To our knowledge, functional studies have not been reported for this variant. This variant has not been reported in individuals affected with TGFBR1-related disorders in the literature. This variant has not been identified in the general population by the Genome Aggregation Database (gnomAD). The available evidence is insufficient to determine the role of this variant in disease conclusively. Therefore, this variant is classified as a Variant of Uncertain Significance.

Blueprint Genetics
Classification: Likely benign. Last evaluated: 2019-05-04. Review status: criteria provided, single submitter. Criteria: ACMG Guidelines, 2015. Collection method: clinical testing. Allele origin: germline.

Illumina Laboratory Services, Illumina
Classification: Uncertain significance for Loeys-Dietz syndrome 1. Last evaluated: 2018-01-13. Review status: criteria provided, single submitter. Criteria: ICSL Variant Classification Criteria 13 December 2019. Collection method: clinical testing. Allele origin: germline.

Eurofins Ntd Llc (ga)
Classification: Uncertain significance. Last evaluated: 2015-08-13. Review status: criteria provided, single submitter. Criteria: EGL Classification Definitions 2015. Collection method: clinical testing. Allele origin: germline. Observed: 1 variant allele, 1 heterozygote.

NM_004612.4(TGFBR1):c.191A>G (p.Lys64Arg)

Gene: TGFBR1 (transforming growth factor beta receptor 1; plus strand). Cytogenetic location: 9q22.33.
Variant type: single nucleotide variant.
Coding change: c.191A>G on transcript NM_004612.4 (MANE Select); coding-DNA position 191, A replaced by G.
Protein change: p.Lys64Arg; replaces lysine 64 with arginine.
Molecular consequence: missense variant.
Genome position (GRCh38, 1-based): chr9:99,128,948, A>G. VCF-style: chr9-99128948-A-G. GRCh37 (hg19) VCF-style: chr9-101891230-A-G.
Other names: c.191A>G, p.Lys64Arg (NM_001130916.3, NM_001306210.2); short protein forms K64R.
Identifiers: ClinVar variation 282059 (VCV000282059.21), dbSNP rs886042300, ClinGen allele CA10604056.